The following is an entry in ClinVar:

NM_000088.4(COL1A1):c.3235G>A (p.Gly1079Ser)

Gene: COL1A1 (collagen type I alpha 1 chain; minus strand). Cytogenetic location: 17q21.33.
Variant type: single nucleotide variant.
Coding change: c.3235G>A on transcript NM_000088.4 (MANE Select); coding-DNA position 3235, G replaced by A.
Protein change: p.Gly1079Ser; replaces glycine 1079 with serine.
Molecular consequence: missense variant.
Genome position (GRCh38, 1-based): chr17:50,188,122, C>T on the plus strand (G>A on the coding strand, the complement: COL1A1 is on the minus strand). VCF-style: chr17-50188122-C-T. GRCh37 (hg19) VCF-style: chr17-48265483-C-T.
Other names: G901S; c.3235G>A (LRG_1t1); short protein forms G1079S.
Identifiers: ClinVar variation 17322 (VCV000017322.19), dbSNP rs72654802, ClinGen allele CA281089.
Genomic context (GRCh38, chr17:50,188,122, plus strand): 5'-TCTAAAGGCATGGGGGACACAGCAGGGTACTTACGGCGGGGCCACGGGCGCCAACAGGGC[C>T]GACAGGACCGGCGGGACCAGCAGGACCCTGGGGAGAGCAAGGAAAGCATGAGCTCTTGGC-3'
Protein context (NP_000079.2, residues 1069-1089): TGPAGPAGPV[Gly1079Ser]PVGARGPAGP

ClinVar aggregate classification (germline): Pathogenic. Review status: criteria provided, multiple submitters, no conflicts (2 of 4 stars). 10 submissions from 10 submitters: Pathogenic (8). 2 of the submissions do not count toward it. Last evaluated 2025-12-29.

Conditions:
COL1A1-related disorder. Also called: COL1A1-related condition; COL1A1- related disease.
Osteogenesis imperfecta type I (OI1). Also called: Lobstein disease; Lobstein's Disease; OI, TYPE I; OSTEOGENESIS IMPERFECTA TARDA; OSTEOGENESIS IMPERFECTA WITH BLUE SCLERAE; Osteogenesis imperfecta type 1. Identifiers: Orphanet 216796, Orphanet 666, MedGen C0023931, MONDO:0008146, OMIM 166200. Disease mechanism: loss of function.
Osteogenesis imperfecta, perinatal lethal (OI2). Also called: OI, TYPE II; OSTEOGENESIS IMPERFECTA, TYPE II; OSTEOGENESIS IMPERFECTA CONGENITA; VROLIK TYPE OF OSTEOGENESIS IMPERFECTA; Osteogenesis imperfecta, dominant perinatal lethal; Osteogenesis imperfecta type 2. Identifiers: Orphanet 216804, MedGen C0268358, MONDO:0008147, OMIM 166210.
Osteogenesis imperfecta type III (OI3). Also called: Osteogenesis imperfecta type 3; OI type 3; Osteogenesis imperfecta, progressively deforming with normal sclerae; OI type III; Progressively Deforming Osteogenesis Imperfecta. Identifiers: Orphanet 216812, Orphanet 666, MedGen C0268362, MONDO:0009804, OMIM 259420.
Osteogenesis imperfecta with normal sclerae, dominant form (OI4). Also called: OSTEOGENESIS IMPERFECTA, TYPE IV, WITH DENTINOGENESIS IMPERFECTA; Osteogenesis Imperfecta Type IV; OSTEOGENESIS IMPERFECTA WITH NORMAL SCLERAE; Osteogenesis imperfecta type 4; Common Variable Osteogenesis Imperfecta with Normal Sclerae. Identifiers: Orphanet 216820, Orphanet 666, MedGen C0268363, MONDO:0008148, OMIM 166220.

Allele frequency attached by ClinVar (database versions not stated): gnomAD exomes below 0.00001; TOPMed below 0.00001.
gnomAD v4.1: 1 of 1,577,284 alleles (0.000063%); highest among the groups gnomAD compares: Non-Finnish European, 0.000086%; no homozygotes.

Submissions (10):

Women's Health and Genetics/Laboratory Corporation of America, LabCorp
Classification: Pathogenic for Osteogenesis imperfecta type I. Last evaluated: 2025-12-29. Review status: criteria provided, single submitter. Criteria: LabCorp Variant Classification Summary - May 2015. Collection method: clinical testing. Allele origin: germline.
Comment: Variant summary: COL1A1 c.3235G>A (p.Gly1079Ser) results in a non-conservative amino acid change in the encoded protein sequence. Algorithms developed to predict the effect of missense changes on protein structure and function all suggest that this variant is likely to be disruptive. The frequency data for this variant in gnomAD is considered unreliable, as metrics indicate poor data quality at this position. c.3235G>A has been observed in multiple individuals affected with Osteogenesis imperfecta type I, as well as OI type III and IV (e.g. Mottes_1992, Bardai_2016). These data indicate that the variant is very likely to be associated with disease. The following publications have been ascertained in the context of this evaluation (PMID: 1634225, 27509835). ClinVar contains an entry for this variant (Variation ID: 17322). Based on the evidence outlined above, the variant was classified as pathogenic.

Labcorp Genetics (formerly Invitae), Labcorp
Classification: Pathogenic for Osteogenesis imperfecta type I. Last evaluated: 2025-08-01. Review status: criteria provided, single submitter. Criteria: Invitae Variant Classification Sherloc (09022015). Collection method: clinical testing. Allele origin: germline.
Comment: This sequence change replaces glycine, which is neutral and non-polar, with serine, which is neutral and polar, at codon 1079 of the COL1A1 protein (p.Gly1079Ser). This variant is not present in population databases (gnomAD no frequency). This missense change has been observed in individual(s) with osteogenesis imperfecta (OI) type I and OI types I, III and IV (PMID: 1634225, 18311573, 21594610, 21667357, 23079818, 26177859, 27509835, 28498836, 28810924). It has also been observed to segregate with disease in related individuals. ClinVar contains an entry for this variant (Variation ID: 17322). Invitae Evidence Modeling of protein sequence and biophysical properties (such as structural, functional, and spatial information, amino acid conservation, physicochemical variation, residue mobility, and thermodynamic stability) indicates that this missense variant is expected to disrupt COL1A1 protein function with a positive predictive value of 95%. Experimental studies have shown that this missense change affects COL1A1 function (PMID: 7695699, 8218237, 18845533, 19344236). This variant disrupts the triple helix domain of COL1A1. Glycine residues within the Gly-Xaa-Yaa repeats of the triple helix domain are required for the structure and stability of fibrillar collagens (PMID: 7695699, 8218237, 19344236). In COL1A1, variants affecting these glycine residues are significantly enriched in individuals with disease (PMID: 9016532, 17078022) compared to the general population (ExAC). For these reasons, this variant has been classified as Pathogenic.

3billion
Classification: Pathogenic for Osteogenesis imperfecta type I. Last evaluated: 2024-12-19. Review status: criteria provided, single submitter. Criteria: ACMG Guidelines, 2015. Collection method: clinical testing. Allele origin: germline. Affected: yes.
Comment: The variant is observed at an extremely low frequency in the gnomAD v4.1.0 dataset (total allele frequency: <0.001%). Predicted Consequence/Location: Missense variant In silico tool predictions suggest damaging effect of the variant on gene or gene product [REVEL: 0.99 (>=0.6, sensitivity 0.68 and specificity 0.92); 3Cnet: 0.99 (>=0.6, sensitivity 0.72 and precision 0.9)]. The same nucleotide change resulting in the same amino acid change has been previously reported as pathogenic/likely pathogenic with strong evidence (ClinVar ID: VCV000017322 /PMID: 1634225). The variant has been observed in at least two similarly affected unrelated individuals (PMID: 27509835, 28498836, 28810924). A different missense change at the same codon (p.Gly1079Arg) has been reported to be associated with COL1A1-related disorder (PMID: 30886339). Therefore, this variant is classified as Pathogenic according to the recommendation of ACMG/AMP guideline.

GeneDx
Classification: Pathogenic. Last evaluated: 2024-06-04. Review status: criteria provided, single submitter. Criteria: GeneDx Variant Classification Process June 2021. Collection method: clinical testing. Allele origin: germline. Affected: yes.
Comment: Occurs in the triple helical domain and replaces a glycine in a canonical Gly-X-Y repeat; missense substitution of a canonical glycine residue is expected to disrupt normal protein folding and function, and this is an established mechanism of disease (PMID: 34007986); In silico analysis supports that this missense variant has a deleterious effect on protein structure/function; Not observed at significant frequency in large population cohorts (gnomAD); Also known as G901S; This variant is associated with the following publications: (PMID: 37270749, 35909573, 27060301, 21280025, 23079818, 27509835, 26177859, 21594610, 18218237, 18311573, 28498836, 21667357, 28810924, 25944380, 31414283, 34358384, 32166892, Tian2020[Article], 31429852, 35456387, 37859607, 17078022, 15241796, 30715774, 18845533, 34007986, 1634225, 1886404)

PreventionGenetics, part of Exact Sciences
Classification: Pathogenic for COL1A1-related condition. Last evaluated: 2023-08-30. Review status: criteria provided, single submitter. Criteria: ACMG Guidelines, 2015. Collection method: clinical testing. Allele origin: germline.
Comment: The COL1A1 c.3235G>A variant is predicted to result in the amino acid substitution p.Gly1079Ser. This variant was reported in multiple individuals with osteogenesis imperfecta (OI), or OI/Danlos Overlap syndrome (for examples: reported as p.Gly901Ser in Mottes. 1992. PubMed ID: 1634225; Moraes. 2012. PubMed ID: 23079818; de novo in Morabito. 2022. PubMed ID: 35456387). The p.Gly1079 amino acid is located in the conserved Gly-Xaa-Yaa triple helical domain where substitutions of a glycine are usually pathogenic (Marini et al. 2007. PubMed ID: 17078022).This variant has not been reported in a large population database, indicating this variant is rare. This variant is interpreted as pathogenic.

Blueprint Genetics
Classification: Pathogenic for COL1A1-related disorders. Last evaluated: 2023-04-24. Review status: criteria provided, single submitter. Criteria: ACMG Guidelines, 2015. Collection method: clinical testing. Allele origin: germline. Affected: yes. Observed: 5 variant alleles.

MGZ Medical Genetics Center
Classification: Pathogenic for Osteogenesis imperfecta type I. Last evaluated: 2021-11-29. Review status: criteria provided, single submitter. Criteria: ACMG Guidelines, 2015. Collection method: clinical testing. Allele origin: germline. Affected: yes. Observed: 1 variant allele.
Comment: ACMG criteria applied: PS4, PM1, PP1_MOD, PM2_SUP, PP3

Juno Genomics, Hangzhou Juno Genomics, Inc
Classification: Pathogenic for Osteogenesis imperfecta type I; Osteogenesis imperfecta, perinatal lethal; Osteogenesis imperfecta type III; Osteogenesis imperfecta with normal sclerae, dominant form. Review status: criteria provided, single submitter. Criteria: ACMG Guidelines, 2015. Collection method: clinical testing. Allele origin: germline. Affected: yes.
Comment: Absent from controls (or at extremely low frequency if recessive) in Genome Aggregation Database, Exome Sequencing Project, 1000 Genomes Project, or Exome Aggregation Consortium.;Missense variant in a gene that has a low rate of benign missense variation and where missense variants are a common mechanism of disease.;Well-established in vitro or in vivo functional studies supportive of a damaging effect on the gene or gene product.;The prevalence of the variant in affected individuals is significantly increased compared to the prevalence in controls.;Co-segregation with disease in multiple affected family members in a gene definitively known to cause the disease.;Patient's phenotype or family history is highly specific for a disease with a single genetic etiology.;Assumed de novo, but without confirmation of paternity and maternity.

OMIM
Classification: Pathogenic for OSTEOGENESIS IMPERFECTA, TYPE I. Last evaluated: 1992-07-01. Review status: no assertion criteria provided. Collection method: literature only. Allele origin: germline. Not counted in ClinVar's aggregate classification.

Department of Medical Sciences, Uppsala University
Classification: Pathogenic for OI type I. Review status: no assertion criteria provided. Collection method: clinical testing. Allele origin: maternal. Affected: yes. Observed: 1 variant allele. Not counted in ClinVar's aggregate classification.

Literature cited by the submitters: PubMed 1634225 (cited by 4 submitters); PubMed 27509835 (cited by 3 submitters); PubMed 18311573 (cited by Labcorp Genetics (formerly Invitae), Labcorp); PubMed 21594610 (cited by Labcorp Genetics (formerly Invitae), Labcorp); PubMed 21667357 (cited by Labcorp Genetics (formerly Invitae), Labcorp); PubMed 23079818 (cited by Labcorp Genetics (formerly Invitae), Labcorp); PubMed 26177859 (cited by Labcorp Genetics (formerly Invitae), Labcorp); PubMed 28498836 (cited by Labcorp Genetics (formerly Invitae), Labcorp and 3billion); PubMed 28810924 (cited by Labcorp Genetics (formerly Invitae), Labcorp and 3billion); PubMed 7695699 (cited by Labcorp Genetics (formerly Invitae), Labcorp); PubMed 8218237 (cited by Labcorp Genetics (formerly Invitae), Labcorp); PubMed 18845533 (cited by Labcorp Genetics (formerly Invitae), Labcorp); PubMed 19344236 (cited by Labcorp Genetics (formerly Invitae), Labcorp); PubMed 9016532 (cited by Labcorp Genetics (formerly Invitae), Labcorp); PubMed 17078022 (cited by Labcorp Genetics (formerly Invitae), Labcorp); PubMed 30886339 (cited by 3billion); PubMed 25944380 (cited by Department of Medical Sciences, Uppsala University).